The following is an entry in ClinVar:

ClinVar aggregate classification (germline): Uncertain significance. Review status: criteria provided, multiple submitters, no conflicts (2 of 4 stars). 4 submissions from 4 submitters: Uncertain significance (4). Last evaluated 2026-02-01.

Conditions:
Nemaline myopathy 2 (NEM2). Also called: Nemaline myopathy 2, autosomal recessive. Identifiers: MedGen C1850569, MONDO:0009725, OMIM 256030.
NEB-related disorder. Also called: NEB-Related Disorders; NEB-related condition.

Allele frequency attached by ClinVar (database versions not stated): gnomAD 0.00004.
gnomAD v4.1: 47 of 1,613,764 alleles (0.0029%); highest among the groups gnomAD compares: South Asian, 0.0022%; no homozygotes.

Submissions (4):

Labcorp Genetics (formerly Invitae), Labcorp
Classification: Uncertain significance for Nemaline myopathy 2. Last evaluated: 2026-02-01. Review status: criteria provided, single submitter. Criteria: Invitae Variant Classification Sherloc (09022015). Collection method: clinical testing. Allele origin: germline.
Comment: This sequence change replaces arginine, which is basic and polar, with histidine, which is basic and polar, at codon 3177 of the NEB protein (p.Arg3177His). This variant is present in population databases (rs376726354, gnomAD 0.06%). This variant has not been reported in the literature in individuals affected with NEB-related conditions. ClinVar contains an entry for this variant (Variation ID: 2032083). Experimental studies and prediction algorithms are not available or were not evaluated, and the functional significance of this variant is currently unknown. In summary, the available evidence is currently insufficient to determine the role of this variant in disease. Therefore, it has been classified as a Variant of Uncertain Significance.

Revvity Omics, Revvity
Classification: Uncertain significance. Last evaluated: 2025-06-26. Review status: criteria provided, single submitter. Criteria: ACMG Guidelines, 2015. Collection method: clinical testing. Allele origin: germline.

Blueprint Genetics
Classification: Uncertain significance. Last evaluated: 2024-04-19. Review status: criteria provided, single submitter. Criteria: ACMG Guidelines, 2015. Collection method: clinical testing. Allele origin: germline.

PreventionGenetics, part of Exact Sciences
Classification: Uncertain significance for NEB-related condition. Last evaluated: 2022-11-24. Review status: criteria provided, single submitter. Criteria: ACMG Guidelines, 2015. Collection method: clinical testing. Allele origin: germline.
Comment: The NEB c.9530G>A variant is predicted to result in the amino acid substitution p.Arg3177His. To our knowledge, this variant has not been reported in the literature. This variant is reported in 0.050% of alleles in individuals of Ashkenazi Jewish descent in gnomAD. At this time, the clinical significance of this variant is uncertain due to the absence of conclusive functional and genetic evidence.

NM_001164508.2(NEB):c.9530G>A (p.Arg3177His)

Gene: NEB (nebulin; minus strand). Cytogenetic location: 2q23.3.
Variant type: single nucleotide variant.
Coding change: c.9530G>A on transcript NM_001164508.2 (MANE Select); coding-DNA position 9530, G replaced by A.
Protein change: p.Arg3177His; replaces arginine 3177 with histidine.
Molecular consequence: missense variant. On other transcripts: intron variant (1).
Genome position (GRCh38, 1-based): chr2:151,631,231, C>T on the plus strand (G>A on the coding strand, the complement: NEB is on the minus strand). VCF-style: chr2-151631231-C-T. GRCh37 (hg19) VCF-style: chr2-152487745-C-T.
Other names: c.9530G>A, p.Arg3177His (NM_001164507.2, NM_001271208.2); c.8854-53G>A (NM_004543.5); short protein forms R3177H.
Identifiers: ClinVar variation 2032083 (VCV002032083.7), dbSNP rs376726354, ClinGen allele CA1909292.